The following is an entry in ClinVar:

ClinVar aggregate classification (germline): Likely benign. Review status: criteria provided, single submitter (1 of 4 stars). 2 submissions from 2 submitters: Likely benign (1). 1 of the submissions does not count toward it. Last evaluated 2025-08-23.

Conditions:
SNX14-related disorder. Also called: SNX14-related condition.

Allele frequency attached by ClinVar (database versions not stated): TOPMed 0.00001; gnomAD 0.00004; 1000 Genomes Project 0.00020; ExAC 0.00002; 1000 Genomes Project 30x 0.00016.

Submissions (2):

Labcorp Genetics (formerly Invitae), Labcorp
Classification: Likely benign. Last evaluated: 2025-08-23. Review status: criteria provided, single submitter. Criteria: Invitae Variant Classification Sherloc (09022015). Collection method: clinical testing. Allele origin: germline.

PreventionGenetics, part of Exact Sciences
Classification: Likely benign for SNX14-related condition. Last evaluated: 2019-02-22. Review status: no assertion criteria provided. Collection method: clinical testing. Allele origin: germline. Not counted in ClinVar's aggregate classification.
Comment: This variant is classified as likely benign based on ACMG/AMP sequence variant interpretation guidelines (Richards et al. 2015 PMID: 25741868, with internal and published modifications).

NM_153816.6(SNX14):c.1818C>T (p.His606=)

Gene: SNX14 (sorting nexin 14; minus strand). Cytogenetic location: 6q14.3.
Variant type: single nucleotide variant.
Coding change: c.1818C>T on transcript NM_153816.6 (MANE Select); coding-DNA position 1818, C replaced by T.
Protein change: p.His606=; no amino-acid change (histidine 606 retained).
Molecular consequence: synonymous variant. On other transcripts: non-coding transcript variant (6).
Genome position (GRCh38, 1-based): chr6:85,530,268, G>A on the plus strand (C>T on the coding strand, the complement: SNX14 is on the minus strand). VCF-style: chr6-85530268-G-A. GRCh37 (hg19) VCF-style: chr6-86239986-G-A.
Other names: c.1791C>T, p.His597= (NM_001297614.3, NM_001350541.2); c.1662C>T, p.His554= (NM_001304479.2); c.1881C>T, p.His627= (NM_001350532.2); c.1815C>T, p.His605= (NM_001350533.2, NM_001350535.2); c.1788C>T, p.His596= (NM_001350534.2); c.1686C>T, p.His562= (NM_001350536.2); c.1683C>T, p.His561= (NM_001350537.2); c.1674C>T, p.His558= (NM_001350538.2); and 9 more.
Identifiers: ClinVar variation 3058370 (VCV003058370.4), dbSNP rs527563032, ClinGen allele CA3912027.